The following is an entry in ClinVar:

NM_182961.4(SYNE1):c.8627C>A (p.Thr2876Asn)

Genes: SYNE1 (spectrin repeat containing nuclear envelope protein 1; minus strand), LOC126859838 (CDK7 strongly-dependent group 2 enhancer GRCh37_chr6:152706655-152707854; plus strand). Cytogenetic location: 6q25.2.
Variant type: single nucleotide variant.
Coding change: c.8627C>A on transcript NM_182961.4 (MANE Select); coding-DNA position 8627, C replaced by A.
Protein change: p.Thr2876Asn; replaces threonine 2876 with asparagine.
Molecular consequence: missense variant.
Genome position (GRCh38, 1-based): chr6:152,385,699, G>T on the plus strand (C>A on the coding strand, the complement: SYNE1 is on the minus strand). VCF-style: chr6-152385699-G-T. GRCh37 (hg19) VCF-style: chr6-152706834-G-T.
Other names: c.8648C>A, p.Thr2883Asn (NM_033071.5); short protein forms T2876N, T2883N.
Identifiers: ClinVar variation 1702780 (VCV001702780.2), dbSNP rs2154123961, ClinGen allele CA366145337.

ClinVar aggregate classification (germline): Uncertain significance (1 of 4 stars; one submission).

Submission:

GeneDx
Classification: Uncertain significance. Last evaluated: 2022-02-21. Review status: criteria provided, single submitter. Criteria: GeneDx Variant Classification Process June 2021. Collection method: clinical testing. Allele origin: germline. Affected: yes.
Comment: Not observed at significant frequency in large population cohorts (gnomAD); In silico analysis supports that this missense variant does not alter protein structure/function; Has not been previously published as pathogenic or benign to our knowledge